The following is an entry in ClinVar:

ClinVar aggregate classification (germline): Uncertain significance (1 of 4 stars; one submission).

Conditions:
Brain small vessel disease 1 with or without ocular anomalies (BSVD1). Also called: PORENCEPHALY, TYPE 1, AUTOSOMAL DOMINANT; Brain small vessel disease with or without ocular anomalies; BRAIN SMALL VESSEL DISEASE WITH HEMORRHAGE; GOULD SYNDROME 1. Identifiers: Orphanet 2940, Orphanet 36383, Orphanet 99810, MedGen C4755307, MONDO:0008289, OMIM 175780.

Allele frequency attached by ClinVar (database versions not stated): gnomAD exomes below 0.00001; ExAC 0.00001.
gnomAD v4.1: 1 of 1,614,200 alleles (0.000062%); highest among the groups gnomAD compares: Non-Finnish European, 0.000085%; no homozygotes.

Submission:

3billion
Classification: Uncertain significance for Brain small vessel disease 1 with or without ocular anomalies. Last evaluated: 2023-02-23. Review status: criteria provided, single submitter. Criteria: ACMG Guidelines, 2015. Collection method: clinical testing. Allele origin: unknown. Affected: yes.
Comment: The variant is observed at an extremely low frequency in the gnomAD v2.1.1 dataset (total allele frequency: <0.001%). Missense changes are a common disease-causing mechanism. In silico tool predictions suggest damaging effect of the variant on gene or gene product (REVEL: 0.77; 3Cnet: 0.61). However, the evidence of pathogenicity is insufficient at this time. Therefore, this variant is classified as VUS according to the recommendation of ACMG/AMP guideline.

NM_001845.6(COL4A1):c.3607C>T (p.Pro1203Ser)

Gene: COL4A1 (collagen type IV alpha 1 chain; minus strand). Cytogenetic location: 13q34.
Variant type: single nucleotide variant.
Coding change: c.3607C>T on transcript NM_001845.6 (MANE Select); coding-DNA position 3607, C replaced by T.
Protein change: p.Pro1203Ser; replaces proline 1203 with serine.
Molecular consequence: missense variant.
Genome position (GRCh38, 1-based): chr13:110,170,682, G>A on the plus strand (C>T on the coding strand, the complement: COL4A1 is on the minus strand). VCF-style: chr13-110170682-G-A. GRCh37 (hg19) VCF-style: chr13-110823029-G-A.
Other names: short protein forms P1203S.
Identifiers: ClinVar variation 2444271 (VCV002444271.1), dbSNP rs758060651, ClinGen allele CA7047195.